The following is an entry in ClinVar:

NM_001378477.3(NYX):c.-6C>T

Gene: NYX (nyctalopin; plus strand). Cytogenetic location: Xp11.4.
Variant type: single nucleotide variant.
Coding change: c.-6C>T on transcript NM_001378477.3 (MANE Select); 6 bases upstream of the start codon, C replaced by T.
Molecular consequence: 5 prime UTR variant.
Genome position (GRCh38, 1-based): chrX:41,447,899, C>T. VCF-style: chrX-41447899-C-T. GRCh37 (hg19) VCF-style: chrX-41307152-C-T.
Other names: c.-6C>T (NM_022567.3).
Identifiers: ClinVar variation 1975933 (VCV001975933.6), dbSNP rs371622974, ClinGen allele CA10389766.

ClinVar aggregate classification (germline): Conflicting classifications of pathogenicity. Review status: criteria provided, conflicting classifications (1 of 4 stars). 2 submissions from 2 submitters: Pathogenic (1); Uncertain significance (1). Last evaluated 2023-09-29.

Allele frequency attached by ClinVar (database versions not stated): TOPMed 0.00001; gnomAD 0.00002; ExAC 0.00005; ESP Exome Variant Server 0.00009.
gnomAD v4.1: 9 of 1,208,675 alleles (0.00074%); highest among the groups gnomAD compares: Non-Finnish European, 0.00067%; no homozygotes.

Submissions (2):

Labcorp Genetics (formerly Invitae), Labcorp
Classification: Pathogenic. Last evaluated: 2023-09-29. Review status: criteria provided, single submitter. Criteria: Invitae Variant Classification Sherloc (09022015). Collection method: clinical testing. Allele origin: germline.
Comment: This sequence change creates a premature translational stop signal (p.Arg4*) in the NYX gene. While this is not anticipated to result in nonsense mediated decay, it is expected to disrupt the last 478 amino acid(s) of the NYX protein. This variant is present in population databases (rs371622974, gnomAD 0.005%). This variant has not been reported in the literature in individuals affected with NYX-related conditions. ClinVar contains an entry for this variant (Variation ID: 1975933). This variant disrupts a region of the NYX protein in which other variant(s) (p.Trp350*) have been determined to be pathogenic (PMID: 11062471). This suggests that this is a clinically significant region of the protein, and that variants that disrupt it are likely to be disease-causing. For these reasons, this variant has been classified as Pathogenic.

Blueprint Genetics
Classification: Uncertain significance. Last evaluated: 2019-10-01. Review status: criteria provided, single submitter. Criteria: ACMG Guidelines, 2015. Collection method: clinical testing. Allele origin: germline.

Literature cited by the submitters: PubMed 11062471 (cited by Labcorp Genetics (formerly Invitae), Labcorp).